The following is an entry in ClinVar:

NM_019892.6(INPP5E):c.168C>T (p.Ala56=)

Gene: INPP5E (inositol polyphosphate-5-phosphatase E; minus strand). Cytogenetic location: 9q34.3.
Variant type: single nucleotide variant.
Coding change: c.168C>T on transcript NM_019892.6 (MANE Select); coding-DNA position 168, C replaced by T.
Protein change: p.Ala56=; no amino-acid change (alanine 56 retained).
Molecular consequence: synonymous variant.
Genome position (GRCh38, 1-based): chr9:136,439,252, G>A on the plus strand (C>T on the coding strand, the complement: INPP5E is on the minus strand). VCF-style: chr9-136439252-G-A. GRCh37 (hg19) VCF-style: chr9-139333704-G-A.
Other names: c.168C>T (NM_019892.5); c.168C>T, p.Ala56= (NM_001318502.2).
Identifiers: ClinVar variation 1667470 (VCV001667470.10), dbSNP rs1334035407, ClinGen allele CA467828588.

ClinVar aggregate classification (germline): Likely benign. Review status: criteria provided, multiple submitters, no conflicts (2 of 4 stars). 3 submissions from 3 submitters: Likely benign (3). Last evaluated 2026-08-01.

Conditions:
Joubert syndrome. Also called: Familial aplasia of the vermis; JOUBERT-BOLTSHAUSER SYNDROME. Identifiers: Orphanet 475, MedGen C5979921, MONDO:0018772.
INPP5E-related disorder. Also called: INPP5E-related condition.

Allele frequency attached by ClinVar (database versions not stated): TOPMed 0.00001; gnomAD 0.00002; gnomAD exomes 0.00003.
gnomAD v4.1: 5 of 1,512,378 alleles (0.00033%); highest among the groups gnomAD compares: Admixed American, 0.0083%; no homozygotes.

Submissions (3):

CeGaT Center for Human Genetics Tuebingen
Classification: Likely benign. Last evaluated: 2026-08-01. Review status: criteria provided, single submitter. Criteria: CeGaT Center For Human Genetics Tuebingen Variant Classification Criteria Version 2. Collection method: clinical testing. Allele origin: germline. Affected: yes. Observed: 1 variant allele.
Comment: INPP5E: BP4, BP7

PreventionGenetics, part of Exact Sciences
Classification: Likely benign for INPP5E-related condition. Last evaluated: 2025-07-02. Review status: criteria provided, single submitter. Criteria: ACMG Guidelines, 2015. Collection method: clinical testing. Allele origin: germline.
Comment: This variant is classified as likely benign based on ACMG/AMP sequence variant interpretation guidelines (Richards et al. 2015 PMID: 25741868, with internal and published modifications).

Labcorp Genetics (formerly Invitae), Labcorp
Classification: Likely benign for Joubert syndrome. Last evaluated: 2024-01-21. Review status: criteria provided, single submitter. Criteria: Invitae Variant Classification Sherloc (09022015). Collection method: clinical testing. Allele origin: germline.